The following is an entry in ClinVar:

ClinVar aggregate classification (germline): Uncertain significance (1 of 4 stars; one submission).

Conditions:
Multiple endocrine neoplasia, type 1 (MEN1). Also called: MEN I; WERMER SYNDROME; Endocrine adenomatosis multiple; MEN 1; MEA I. Identifiers: Orphanet 652, MedGen C0025267, MeSH D018761, MONDO:0007540, OMIM 131100.

Submission:

All of Us Research Program, National Institutes of Health
Classification: Uncertain significance for Multiple endocrine neoplasia, type 1. Last evaluated: 2024-07-10. Review status: criteria provided, single submitter. Criteria: ACMG Guidelines, 2015. Collection method: clinical testing. Allele origin: germline. Inheritance: Autosomal dominant inheritance. Observed: 1 variant allele, 1 heterozygote.
Comment: This missense variant replaces alanine with threonine at codon 5 of the MEN1 protein. Computational prediction suggests that this variant may not impact protein structure and function (internally defined REVEL score threshold <= 0.5, PMID: 27666373). To our knowledge, functional studies have not been reported for this variant. This variant has not been reported in individuals affected with MEN1-related disorders in the literature. This variant has not been identified in the general population by the Genome Aggregation Database (gnomAD). The available evidence is insufficient to determine the role of this variant in disease conclusively. Therefore, this variant is classified as a Variant of Uncertain Significance.

This study involves interpretation of variants in research participants for the purpose of population health screening. Participant phenotype was not available at the time of variant classification. Additional details can be found in publication PMID: 35346344, PMCID: PMC8962531

NM_001370259.2(MEN1):c.13G>A (p.Ala5Thr)

Gene: MEN1 (menin 1; minus strand). Cytogenetic location: 11q13.1.
Variant type: single nucleotide variant.
Coding change: c.13G>A on transcript NM_001370259.2 (MANE Select); coding-DNA position 13, G replaced by A.
Protein change: p.Ala5Thr; replaces alanine 5 with threonine.
Molecular consequence: missense variant. On other transcripts: non-coding transcript variant (4).
Genome position (GRCh38, 1-based): chr11:64,810,097, C>T on the plus strand (G>A on the coding strand, the complement: MEN1 is on the minus strand). VCF-style: chr11-64810097-C-T. GRCh37 (hg19) VCF-style: chr11-64577569-C-T.
Other names: c.13G>A, p.Ala5Thr (NM_000244.4, NM_001370251.2, NM_001370260.2 and 20 more transcripts); short protein forms A5T.
Identifiers: ClinVar variation 3387029 (VCV003387029.1).